The following is an entry in ClinVar:

ClinVar aggregate classification (germline): Likely benign. Review status: criteria provided, multiple submitters, no conflicts (2 of 4 stars). 2 submissions from 2 submitters: Likely benign (2). Last evaluated 2024-01-21.

Conditions:
Juvenile polyposis syndrome (JPS). Identifiers: Orphanet 2929, MedGen C0345893, MONDO:0017380, OMIM 174900.

gnomAD v4.1: 3 of 1,613,844 alleles (0.00019%); highest among the groups gnomAD compares: Non-Finnish European, 0.00025%; no homozygotes.

Submissions (2):

Labcorp Genetics (formerly Invitae), Labcorp
Classification: Likely benign for Juvenile polyposis syndrome. Last evaluated: 2024-01-21. Review status: criteria provided, single submitter. Criteria: Invitae Variant Classification Sherloc (09022015). Collection method: clinical testing. Allele origin: germline.

GeneDx
Classification: Likely benign. Last evaluated: 2017-07-20. Review status: criteria provided, single submitter. Criteria: GeneDx Variant Classification (06012015). Collection method: clinical testing. Allele origin: germline. Affected: yes.
Comment: This variant is considered likely benign or benign based on one or more of the following criteria: it is a conservative change, it occurs at a poorly conserved position in the protein, it is predicted to be benign by multiple in silico algorithms, and/or has population frequency not consistent with disease.

NM_005359.6(SMAD4):c.668-16C>A

Gene: SMAD4 (SMAD family member 4; plus strand). Cytogenetic location: 18q21.2.
Variant type: single nucleotide variant.
Coding change: c.668-16C>A on transcript NM_005359.6 (MANE Select); 16 bases into the intron before coding-DNA position 668, C replaced by A.
Molecular consequence: intron variant.
Genome position (GRCh38, 1-based): chr18:51,058,109, C>A. VCF-style: chr18-51058109-C-A. GRCh37 (hg19) VCF-style: chr18-48584479-C-A.
Identifiers: ClinVar variation 510994 (VCV000510994.8), dbSNP rs775498596, ClinGen allele CA629926570.